The following is an entry in ClinVar:

NM_004006.3(DMD):c.4079G>C (p.Arg1360Thr)

Gene: DMD (dystrophin; minus strand). Cytogenetic location: Xp21.1.
Variant type: single nucleotide variant.
Coding change: c.4079G>C on transcript NM_004006.3 (MANE Select); coding-DNA position 4079, G replaced by C.
Protein change: p.Arg1360Thr; replaces arginine 1360 with threonine.
Molecular consequence: missense variant.
Genome position (GRCh38, 1-based): chrX:32,411,906, C>G on the plus strand (G>C on the coding strand, the complement: DMD is on the minus strand). VCF-style: chrX-32411906-C-G. GRCh37 (hg19) VCF-style: chrX-32430023-C-G.
Other names: c.4055G>C, p.Arg1352Thr (NM_000109.4); c.4067G>C, p.Arg1356Thr (NM_004009.3); c.3710G>C, p.Arg1237Thr (NM_004010.3); c.56G>C, p.Arg19Thr (NM_004011.4); c.47G>C, p.Arg16Thr (NM_004012.4); short protein forms R1360T, R16T, R1352T, R1356T, R19T, R1237T.
Identifiers: ClinVar variation 2565094 (VCV002565094.2), dbSNP rs2098143352, ClinGen allele CA412666699.

ClinVar aggregate classification (germline): Uncertain significance (1 of 4 stars; one submission).

Conditions:
Cardiovascular phenotype. Identifiers: MedGen CN230736.

Submission:

Ambry Genetics
Classification: Uncertain significance for Cardiovascular phenotype. Last evaluated: 2023-04-18. Review status: criteria provided, single submitter. Criteria: Ambry Variant Classification Scheme 2023. Collection method: clinical testing. Allele origin: germline.
Comment: The p.R1360T variant (also known as c.4079G>C), located in coding exon 30 of the DMD gene, results from a G to C substitution at nucleotide position 4079. The arginine at codon 1360 is replaced by threonine, an amino acid with similar properties. This amino acid position is highly conserved in available vertebrate species. In addition, this alteration is predicted to be tolerated by in silico analysis. Since supporting evidence is limited at this time, the clinical significance of this alteration remains unclear.